The following is an entry in ClinVar:

ClinVar aggregate classification (germline): Likely benign. Review status: criteria provided, multiple submitters, no conflicts (2 of 4 stars). 4 submissions from 4 submitters: Likely benign (4). Last evaluated 2025-12-04.

Conditions:
Aortic aneurysm, familial thoracic 8 (AAT8). Identifiers: MedGen C3809513, MONDO:0014187, OMIM 615436.
Familial thoracic aortic aneurysm and aortic dissection (TAAD). Also called: Thoracic aortic aneurysms and dissections. Identifiers: Orphanet 91387, MedGen C4707243, MONDO:0019625.

Allele frequency attached by ClinVar (database versions not stated): gnomAD 0.00001; gnomAD exomes 0.00002; TOPMed 0.00002; ExAC 0.00003.
gnomAD v4.1: 33 of 1,613,146 alleles (0.002%); highest among the groups gnomAD compares: Non-Finnish European, 0.0028%; no homozygotes.

Submissions (4):

Labcorp Genetics (formerly Invitae), Labcorp
Classification: Likely benign for Aortic aneurysm, familial thoracic 8. Last evaluated: 2025-12-04. Review status: criteria provided, single submitter. Criteria: Invitae Variant Classification Sherloc (09022015). Collection method: clinical testing. Allele origin: germline.

Women's Health and Genetics/Laboratory Corporation of America, LabCorp
Classification: Likely benign. Last evaluated: 2025-03-31. Review status: criteria provided, single submitter. Criteria: LabCorp Variant Classification Summary - May 2015. Collection method: clinical testing. Allele origin: germline.
Comment: Variant summary: PRKG1 c.2016T>C alters a conserved nucleotide resulting in a synonymous change. Consensus agreement among computation tools predict no significant impact on normal splicing. However, these predictions have yet to be confirmed by functional studies. The variant allele was found at a frequency of 2e-05 in 250966 control chromosomes. The available data on variant occurrences in the general population are insufficient to allow any conclusion about variant significance. To our knowledge, no occurrence of c.2016T>C in individuals affected with Thoracic Aortic Aneurysms And Dissections and no experimental evidence demonstrating its impact on protein function have been reported. ClinVar contains an entry for this variant (Variation ID: 520131). Based on the evidence outlined above, the variant was classified as likely benign.

GeneDx
Classification: Likely benign. Last evaluated: 2019-01-24. Review status: criteria provided, single submitter. Criteria: GeneDx Variant Classification Process June 2021. Collection method: clinical testing. Allele origin: germline. Affected: yes.

Ambry Genetics
Classification: Likely benign for Familial thoracic aortic aneurysm and aortic dissection. Last evaluated: 2016-03-16. Review status: criteria provided, single submitter. Criteria: Ambry Variant Classification Scheme 2023. Collection method: clinical testing. Allele origin: germline.

NM_006258.4(PRKG1):c.2016T>C (p.Asp672=)

Gene: PRKG1 (protein kinase cGMP-dependent 1; plus strand). Cytogenetic location: 10q21.1.
Variant type: single nucleotide variant.
Coding change: c.2016T>C on transcript NM_006258.4 (MANE Select); coding-DNA position 2016, T replaced by C.
Protein change: p.Asp672=; no amino-acid change (aspartic acid 672 retained).
Molecular consequence: synonymous variant.
Genome position (GRCh38, 1-based): chr10:52,293,855, T>C. VCF-style: chr10-52293855-T-C. GRCh37 (hg19) VCF-style: chr10-54053615-T-C.
Other names: c.2016T>C, p.Asp672= (LRG_1135t1); c.1971T>C, p.Asp657= (LRG_1135t2, NM_001098512.3).
Identifiers: ClinVar variation 520131 (VCV000520131.14), dbSNP rs781473103, ClinGen allele CA5504012.